The following is an entry in ClinVar:

ClinVar aggregate classification (germline): Uncertain significance (1 of 4 stars; one submission).

Conditions:
Chédiak-Higashi syndrome (CHS). Also called: Chediak-Higashi Syndrome. Identifiers: Orphanet 167, MedGen C0007965, MONDO:0008963, OMIM 214500.

Allele frequency attached by ClinVar (database versions not stated): ExAC 0.00002; TOPMed 0.00003; gnomAD 0.00005.
gnomAD v4.1: 18 of 1,614,010 alleles (0.0011%); highest among the groups gnomAD compares: African/African-American, 0.019%; no homozygotes.

Submission:

Labcorp Genetics (formerly Invitae), Labcorp
Classification: Uncertain significance for Chédiak-Higashi syndrome. Last evaluated: 2025-07-30. Review status: criteria provided, single submitter. Criteria: Invitae Variant Classification Sherloc (09022015). Collection method: clinical testing. Allele origin: germline.
Comment: This sequence change replaces serine, which is neutral and polar, with arginine, which is basic and polar, at codon 1434 of the LYST protein (p.Ser1434Arg). This variant is present in population databases (rs747863739, gnomAD 0.01%). This variant has not been reported in the literature in individuals affected with LYST-related conditions. ClinVar contains an entry for this variant (Variation ID: 1450672). Invitae Evidence Modeling of protein sequence and biophysical properties (such as structural, functional, and spatial information, amino acid conservation, physicochemical variation, residue mobility, and thermodynamic stability) indicates that this missense variant is not expected to disrupt LYST protein function with a negative predictive value of 80%. In summary, the available evidence is currently insufficient to determine the role of this variant in disease. Therefore, it has been classified as a Variant of Uncertain Significance.

NM_000081.4(LYST):c.4300A>C (p.Ser1434Arg)

Gene: LYST (lysosomal trafficking regulator; minus strand). Cytogenetic location: 1q42.3.
Variant type: single nucleotide variant.
Coding change: c.4300A>C on transcript NM_000081.4 (MANE Select); coding-DNA position 4300, A replaced by C.
Protein change: p.Ser1434Arg; replaces serine 1434 with arginine.
Molecular consequence: missense variant.
Genome position (GRCh38, 1-based): chr1:235,791,942, T>G on the plus strand (A>C on the coding strand, the complement: LYST is on the minus strand). VCF-style: chr1-235791942-T-G. GRCh37 (hg19) VCF-style: chr1-235955242-T-G.
Other names: c.4300A>C, p.Ser1434Arg (NM_001301365.1); short protein forms S1434R.
Identifiers: ClinVar variation 1450672 (VCV001450672.5), dbSNP rs747863739, ClinGen allele CA1466875.